The following is an entry in ClinVar:

ClinVar aggregate classification (germline): Pathogenic (1 of 4 stars; one submission).

Conditions:
Primary ciliary dyskinesia. Also called: Ciliary dyskinesia. Identifiers: Orphanet 244, MedGen C0008780, MONDO:0016575, HP:0012265.

Submission:

Labcorp Genetics (formerly Invitae), Labcorp
Classification: Pathogenic for Primary ciliary dyskinesia. Last evaluated: 2022-08-23. Review status: criteria provided, single submitter. Criteria: Invitae Variant Classification Sherloc (09022015). Collection method: clinical testing. Allele origin: germline.
Comment: This variant is not present in population databases (gnomAD no frequency). For these reasons, this variant has been classified as Pathogenic. This variant disrupts a region of the RPGR (ORF15) protein in which other variant(s) (p.Leu1130Lysfs*13) have been determined to be pathogenic (PMID: 16969763, 18552978, 31645972; Invitae). This suggests that this is a clinically significant region of the protein, and that variants that disrupt it are likely to be disease-causing. This variant has not been reported in the literature in individuals affected with RPGR (ORF15)-related conditions. This sequence change creates a premature translational stop signal (p.Gly812Lysfs*2) in the RPGR (ORF15) gene. While this is not anticipated to result in nonsense mediated decay, it is expected to disrupt the last 341 amino acid(s) of the RPGR (ORF15) protein.

Literature cited by the submitters: PubMed 16969763; PubMed 18552978; PubMed 31645972.

NM_001034853.2(RPGR):c.2433_2436del (p.Gly812fs)

Gene: RPGR (retinitis pigmentosa GTPase regulator; minus strand). Cytogenetic location: Xp11.4.
Variant type: Microsatellite.
Coding change: c.2433_2436del on transcript NM_001034853.2 (MANE Select); coding-DNA positions 2433 to 2436, 4 bases deleted (AGGG; older notation c.2433_2436delAGGG).
Protein change: p.Gly812fs; shifts the reading frame from glycine 812.
Molecular consequence: frameshift variant. On other transcripts: intron variant (8).
Genome position (GRCh38, 1-based): chrX:38,286,563-38,286,566, CCCT deleted on the plus strand (AGGG on the coding strand, the reverse complement: RPGR is on the minus strand); deleting any 4 consecutive bases within chrX:38,286,563-38,286,572 gives the same sequence; the c. name uses the placement nearest the transcript's 3' end. VCF-style (leftmost placement, unchanged base first): chrX-38286562-CCCCT-C. GRCh37 (hg19) VCF-style: chrX-38145815-CCCCT-C.
Other names: c.1569+4393_1569+4396del (NM_001367249.1, NM_001367250.1); c.1902+528_1902+531del (NM_001367245.1); c.1386+4393_1386+4396del (NM_001367251.1); c.1719+528_1719+531del (NM_001367246.1); c.1572+4393_1572+4396del (NM_001367247.1); c.1905+528_1905+531del (NM_000328.3); c.1602+4393_1602+4396del (NM_001367248.1); short protein forms G812fs.
Identifiers: ClinVar variation 2041352 (VCV002041352.4), dbSNP rs2519790975, ClinGen allele CA2580616983.
Genomic context (GRCh38, chrX:38,286,562, plus strand): 5'-CCTCCTCCTCTTCCTCTTCCCTCTCTCCTTTCCCCTCCTCTACTTCCCCTCCCTCTACTT[CCCCT>C]CCCTCCTCTTTTTCCTCCCCTCTCCCCTCTGTTTCCTCCTCTTCCCCCTCTCCTTGGTCT-3'